The following is an entry in ClinVar:

NM_001178015.2(SLC4A10):c.2102C>T (p.Ser701Leu)

Gene: SLC4A10 (solute carrier family 4 member 10; plus strand). Cytogenetic location: 2q24.2.
Variant type: single nucleotide variant.
Coding change: c.2102C>T on transcript NM_001178015.2 (MANE Select); coding-DNA position 2102, C replaced by T.
Protein change: p.Ser701Leu; replaces serine 701 with leucine.
Molecular consequence: missense variant.
Genome position (GRCh38, 1-based): chr2:161,942,896, C>T. VCF-style: chr2-161942896-C-T. GRCh37 (hg19) VCF-style: chr2-162799406-C-T.
Other names: c.2045C>T, p.Ser682Leu (NM_001178016.2, NM_001354445.2); c.2102C>T, p.Ser701Leu (NM_001354440.2); c.2135C>T, p.Ser712Leu (NM_001354441.2, NM_001354442.2); c.2048C>T, p.Ser683Leu (NM_001354443.2, NM_001354447.2); c.2099C>T, p.Ser700Leu (NM_001354444.2); c.2012C>T, p.Ser671Leu (NM_001354446.2, NM_001354450.2, NM_022058.4); c.2042C>T, p.Ser681Leu (NM_001354448.2); c.2009C>T, p.Ser670Leu (NM_001354449.2, NM_001354451.2); and 3 more; short protein forms S478L, S622L, S670L, S671L, S681L, S682L, S683L, S700L.
Identifiers: ClinVar variation 2574721 (VCV002574721.1), dbSNP rs1435419738, ClinGen allele CA348978905.

ClinVar aggregate classification (germline): Uncertain significance (1 of 4 stars; one submission).

Allele frequency attached by ClinVar (database versions not stated): gnomAD exomes below 0.00001; gnomAD 0.00001; TOPMed 0.00002.
gnomAD v4.1: 3 of 1,582,764 alleles (0.00019%); highest among the groups gnomAD compares: African/African-American, 0.0027%; no homozygotes.

Submission:

GeneDx
Classification: Uncertain significance. Last evaluated: 2020-01-10. Review status: criteria provided, single submitter. Criteria: GeneDx Variant Classification Process June 2021. Collection method: clinical testing. Allele origin: germline. Affected: yes.
Comment: In silico analysis, which includes protein predictors and evolutionary conservation, supports a deleterious effect; Has not been previously published as pathogenic or benign to our knowledge; Variants in candidate genes are classified as variants of uncertain significance in accordance with ACMG guidelines (Richards et al., 2015)